The following is an entry in ClinVar:

NM_001267550.2(TTN):c.97774A>T (p.Ile32592Phe)

Genes: TTN (titin; minus strand), TTN-AS1 (TTN antisense RNA 1; plus strand). Cytogenetic location: 2q31.2.
Variant type: single nucleotide variant.
Coding change: c.97774A>T on transcript NM_001267550.2 (MANE Select); coding-DNA position 97774, A replaced by T.
Protein change: p.Ile32592Phe; replaces isoleucine 32592 with phenylalanine.
Molecular consequence: missense variant.
Genome position (GRCh38, 1-based): chr2:178,541,303, T>A on the plus strand (A>T on the coding strand, the complement: TTN is on the minus strand). VCF-style: chr2-178541303-T-A. GRCh37 (hg19) VCF-style: chr2-179406030-T-A.
Other names: c.92851A>T, p.Ile30951Phe (NM_001256850.1); c.70579A>T, p.Ile23527Phe (NM_003319.4); c.90070A>T, p.Ile30024Phe (NM_133378.4); c.70954A>T, p.Ile23652Phe (NM_133432.3); c.71155A>T, p.Ile23719Phe (NM_133437.4); short protein forms I23527F, I23652F, I23719F, I30024F, I30951F, I32592F.
Identifiers: ClinVar variation 1723518 (VCV001723518.2), dbSNP rs1324464661, ClinGen allele CA349436581.

ClinVar aggregate classification (germline): Uncertain significance (1 of 4 stars; one submission).

Allele frequency attached by ClinVar (database versions not stated): TOPMed below 0.00001.

Submission:

GeneDx
Classification: Uncertain significance. Last evaluated: 2022-05-09. Review status: criteria provided, single submitter. Criteria: GeneDx Variant Classification Process June 2021. Collection method: clinical testing. Allele origin: germline. Affected: yes.
Comment: Has not been previously published as pathogenic or benign to our knowledge; Not observed at significant frequency in large population cohorts (gnomAD); Missense variant in a gene in which most reported pathogenic variants are truncating/loss of function